The following is an entry in ClinVar:

ClinVar aggregate classification (germline): Uncertain significance (1 of 4 stars; one submission).

Conditions:
Developmental and epileptic encephalopathy, 54. Also called: HNRNPU-Related Neurodevelopmental Disorder; Epileptic encephalopathy, early infantile, 54. Identifiers: MedGen C4479319, MONDO:0033363, OMIM 617391.

Submission:

Labcorp Genetics (formerly Invitae), Labcorp
Classification: Uncertain significance for Developmental and epileptic encephalopathy, 54. Last evaluated: 2023-11-24. Review status: criteria provided, single submitter. Criteria: Invitae Variant Classification Sherloc (09022015). Collection method: clinical testing. Allele origin: germline.
Comment: This sequence change replaces glutamic acid, which is acidic and polar, with glycine, which is neutral and non-polar, at codon 611 of the HNRNPU protein (p.Glu611Gly). This variant is not present in population databases (gnomAD no frequency). This variant has not been reported in the literature in individuals affected with HNRNPU-related conditions. Advanced modeling of protein sequence and biophysical properties (such as structural, functional, and spatial information, amino acid conservation, physicochemical variation, residue mobility, and thermodynamic stability) performed at Invitae indicates that this missense variant is expected to disrupt HNRNPU protein function with a positive predictive value of 80%. In summary, the available evidence is currently insufficient to determine the role of this variant in disease. Therefore, it has been classified as a Variant of Uncertain Significance.

NM_031844.3(HNRNPU):c.1832A>G (p.Glu611Gly)

Gene: HNRNPU (heterogeneous nuclear ribonucleoprotein U; minus strand). Cytogenetic location: 1q44.
Variant type: single nucleotide variant.
Coding change: c.1832A>G on transcript NM_031844.3 (MANE Select); coding-DNA position 1832, A replaced by G.
Protein change: p.Glu611Gly; replaces glutamic acid 611 with glycine.
Molecular consequence: missense variant.
Genome position (GRCh38, 1-based): chr1:244,856,537, T>C on the plus strand (A>G on the coding strand, the complement: HNRNPU is on the minus strand). VCF-style: chr1-244856537-T-C. GRCh37 (hg19) VCF-style: chr1-245019839-T-C.
Other names: c.1775A>G, p.Glu592Gly (NM_004501.3); short protein forms E592G, E611G.
Identifiers: ClinVar variation 2698240 (VCV002698240.3), dbSNP rs2527505603, ClinGen allele CA345489123.